The following is an entry in ClinVar:

ClinVar aggregate classification (germline): Likely benign (0 of 4 stars; one submission).

Conditions:
PLXNA1-related disorder. Also called: PLXNA1-related condition.

Allele frequency attached by ClinVar (database versions not stated): gnomAD 0.00003; TOPMed 0.00003; ExAC 0.00004; 1000 Genomes Project 30x 0.00016; 1000 Genomes Project 0.00020.
gnomAD v4.1: 39 of 1,599,840 alleles (0.0024%); highest among the groups gnomAD compares: South Asian, 0.0089%; no homozygotes.

Submissions (2):

PreventionGenetics, part of Exact Sciences
Classification: Likely benign for PLXNA1-related condition. Last evaluated: 2022-11-11. Review status: no assertion criteria provided. Collection method: clinical testing. Allele origin: germline.
Comment: This variant is classified as likely benign based on ACMG/AMP sequence variant interpretation guidelines (Richards et al. 2015 PMID: 25741868, with internal and published modifications).

Dr. Peter K. Rogan Lab, Western University
No classification provided (evidence only). Condition: Nonpapillary renal cell carcinoma. Review status: no classification provided. Collection method: in vitro. Allele origin: not applicable. Functional consequence: retained intron. Not counted in ClinVar's aggregate classification.

NM_032242.4(PLXNA1):c.1194G>A (p.Ser398=)

Gene: PLXNA1 (plexin A1; plus strand). Cytogenetic location: 3q21.3.
Variant type: single nucleotide variant.
Coding change: c.1194G>A on transcript NM_032242.4 (MANE Select); coding-DNA position 1194, G replaced by A.
Protein change: p.Ser398=; no amino-acid change (serine 398 retained).
Molecular consequence: synonymous variant.
Genome position (GRCh38, 1-based): chr3:126,989,787, G>A. VCF-style: chr3-126989787-G-A. GRCh37 (hg19) VCF-style: chr3-126708630-G-A.
Other names: NC_000003.11:g.126708630G>A.
Identifiers: ClinVar variation 3054197 (VCV003054197.3), dbSNP rs573065689, ClinGen allele CA2593133.